The following is an entry in ClinVar:

NM_002635.4(SLC25A3):c.832A>G (p.Ile278Val)

Gene: SLC25A3 (solute carrier family 25 member 3; plus strand). Cytogenetic location: 12q23.1.
Variant type: single nucleotide variant.
Coding change: c.832A>G on transcript NM_002635.4 (MANE Select); coding-DNA position 832, A replaced by G.
Protein change: p.Ile278Val; replaces isoleucine 278 with valine.
Molecular consequence: missense variant.
Genome position (GRCh38, 1-based): chr12:98,601,188, A>G. VCF-style: chr12-98601188-A-G. GRCh37 (hg19) VCF-style: chr12-98994966-A-G.
Other names: c.835A>G, p.Ile279Val (NM_005888.4); c.832A>G, p.Ile278Val (NM_213611.3); short protein forms I279V, I278V.
Identifiers: ClinVar variation 1939990 (VCV001939990.5), dbSNP rs761596402, ClinGen allele CA6733130.

ClinVar aggregate classification (germline): Uncertain significance. Review status: criteria provided, multiple submitters, no conflicts (2 of 4 stars). 3 submissions from 3 submitters: Uncertain significance (3). Last evaluated 2025-10-02.

Allele frequency attached by ClinVar (database versions not stated): gnomAD 0.00003; gnomAD exomes 0.00004; TOPMed 0.00008; ExAC 0.00011.
gnomAD v4.1: 59 of 1,612,992 alleles (0.0037%); highest among the groups gnomAD compares: Admixed American, 0.063%; no homozygotes.

Submissions (3):

Labcorp Genetics (formerly Invitae), Labcorp
Classification: Uncertain significance. Last evaluated: 2025-10-02. Review status: criteria provided, single submitter. Criteria: Invitae Variant Classification Sherloc (09022015). Collection method: clinical testing. Allele origin: germline.
Comment: This sequence change replaces isoleucine, which is neutral and non-polar, with valine, which is neutral and non-polar, at codon 279 of the SLC25A3 protein (p.Ile279Val). This variant is present in population databases (rs761596402, gnomAD 0.08%). This variant has not been reported in the literature in individuals affected with SLC25A3-related conditions. ClinVar contains an entry for this variant (Variation ID: 1939990). An algorithm developed to predict the effect of missense changes on protein structure and function outputs the following: PolyPhen-2: "Benign". The valine amino acid residue is found in multiple mammalian species, which suggests that this missense change does not adversely affect protein function. In summary, the available evidence is currently insufficient to determine the role of this variant in disease. Therefore, it has been classified as a Variant of Uncertain Significance.

GeneDx
Classification: Uncertain significance. Last evaluated: 2024-09-03. Review status: criteria provided, single submitter. Criteria: GeneDx Variant Classification Process June 2021. Collection method: clinical testing. Allele origin: germline. Affected: yes.
Comment: In silico analysis indicates that this missense variant does not alter protein structure/function; Has not been previously published as pathogenic or benign to our knowledge

Ambry Genetics
Classification: Uncertain significance. Last evaluated: 2022-05-06. Review status: criteria provided, single submitter. Criteria: Ambry Variant Classification Scheme 2023. Collection method: clinical testing. Allele origin: germline.